The following is an entry in ClinVar:

ClinVar aggregate classification (germline): Uncertain significance. Review status: criteria provided, multiple submitters, no conflicts (2 of 4 stars). 5 submissions from 5 submitters: Uncertain significance (5). Last evaluated 2025-03-04.

Conditions:
Hereditary cancer-predisposing syndrome. Also called: Hereditary Cancer Syndrome; Hereditary neoplastic syndrome; Tumor predisposition; Neoplastic Syndromes, Hereditary. Identifiers: Orphanet 140162, MedGen C0027672, MeSH D009386, MONDO:0015356.

Allele frequency attached by ClinVar (database versions not stated): gnomAD exomes below 0.00001; TOPMed below 0.00001.
gnomAD v4.1: 1 of 1,613,960 alleles (0.000062%); highest among the groups gnomAD compares: Non-Finnish European, 0.000085%; no homozygotes.

Submissions (5):

Center for Genomic Medicine, Rigshospitalet, Copenhagen University Hospital
Classification: Uncertain significance. Last evaluated: 2025-03-04. Review status: criteria provided, single submitter. Criteria: ACMG Guidelines, 2015. Collection method: clinical testing. Allele origin: germline.

Quest Diagnostics Nichols Institute San Juan Capistrano
Classification: Uncertain significance. Last evaluated: 2024-12-18. Review status: criteria provided, single submitter. Criteria: Quest Diagnostics criteria. Collection method: clinical testing. Allele origin: unknown.
Comment: The FH c.612T>G (p.His204Gln) variant has not been reported in individuals with FH-related conditions in the published literature. The frequency of this variant in the general population (Genome Aggregation Database) is uninformative in the assessment of its pathogenicity. Analysis of this variant using bioinformatics tools for the prediction of the effect of amino acid changes on protein structure and function yielded conflicting predictions that this variant is deleterious or benign. Based on the available information, we are unable to determine the clinical significance of this variant.

Ambry Genetics
Classification: Uncertain significance for Hereditary cancer-predisposing syndrome. Last evaluated: 2024-02-07. Review status: criteria provided, single submitter. Criteria: Ambry Variant Classification Scheme 2023. Collection method: clinical testing. Allele origin: germline.
Comment: The p.H204Q variant (also known as c.612T>G), located in coding exon 5 of the FH gene, results from a T to G substitution at nucleotide position 612. The histidine at codon 204 is replaced by glutamine, an amino acid with highly similar properties. This amino acid position is well conserved in available vertebrate species. In addition, the in silico prediction for this alteration is inconclusive. Since supporting evidence is limited at this time, the clinical significance of this alteration remains unclear.

Labcorp Genetics (formerly Invitae), Labcorp
Classification: Uncertain significance. Last evaluated: 2022-08-23. Review status: criteria provided, single submitter. Criteria: Invitae Variant Classification Sherloc (09022015). Collection method: clinical testing. Allele origin: germline.
Comment: This sequence change replaces histidine, which is basic and polar, with glutamine, which is neutral and polar, at codon 204 of the FH protein (p.His204Gln). This variant is present in population databases (no rsID available, gnomAD 0.0009%). This variant has not been reported in the literature in individuals affected with FH-related conditions. ClinVar contains an entry for this variant (Variation ID: 972502). Advanced modeling of protein sequence and biophysical properties (such as structural, functional, and spatial information, amino acid conservation, physicochemical variation, residue mobility, and thermodynamic stability) performed at Invitae indicates that this missense variant is not expected to disrupt FH protein function. In summary, the available evidence is currently insufficient to determine the role of this variant in disease. Therefore, it has been classified as a Variant of Uncertain Significance.

Sema4
Classification: Uncertain significance for Hereditary cancer-predisposing syndrome. Last evaluated: 2021-04-12. Review status: criteria provided, single submitter. Criteria: Sema4 Curation Guidelines. Collection method: curation. Allele origin: germline.
Comment: The FH c.612T>G (p.H204Q) variant has not been reported in the literature to our knowledge. It was observed in 1/113578 chromosomes of the Non-Finnish European subpopulation in the Genome Aggregation Database (PMID: 32461654). The variant has been reported in ClinVar (Variation ID 972502). In silico tools suggest the impact of the variant on protein function is inconclusive, though these predictions have not been confirmed by functional studies. The evidence is insufficient to meet ACMG/AMP criteria for classifying the variant as benign or pathogenic. Thus, the clinical significance of this variant is currently uncertain.

NM_000143.4(FH):c.612T>G (p.His204Gln)

Gene: FH (fumarate hydratase; minus strand). Cytogenetic location: 1q43.
Variant type: single nucleotide variant.
Coding change: c.612T>G on transcript NM_000143.4 (MANE Select); coding-DNA position 612, T replaced by G.
Protein change: p.His204Gln; replaces histidine 204 with glutamine.
Molecular consequence: missense variant.
Genome position (GRCh38, 1-based): chr1:241,508,729, A>C on the plus strand (T>G on the coding strand, the complement: FH is on the minus strand). VCF-style: chr1-241508729-A-C. GRCh37 (hg19) VCF-style: chr1-241672029-A-C.
Other names: short protein forms H204Q.
Identifiers: ClinVar variation 972502 (VCV000972502.9), dbSNP rs1424868653, ClinGen allele CA345439394.